The following is an entry in ClinVar:

NM_153240.5(NPHP3):c.2080A>G (p.Lys694Glu)

Genes: NPHP3 (nephrocystin 3; minus strand), NPHP3-ACAD11 (NPHP3-ACAD11 readthrough (NMD candidate); minus strand). Cytogenetic location: 3q22.1.
Variant type: single nucleotide variant.
Coding change: c.2080A>G on transcript NM_153240.5 (MANE Select); coding-DNA position 2080, A replaced by G.
Protein change: p.Lys694Glu; replaces lysine 694 with glutamic acid.
Molecular consequence: missense variant. On other transcripts: non-coding transcript variant (1).
Genome position (GRCh38, 1-based): chr3:132,697,268, T>C on the plus strand (A>G on the coding strand, the complement: NPHP3 is on the minus strand). VCF-style: chr3-132697268-T-C. GRCh37 (hg19) VCF-style: chr3-132416112-T-C.
Other names: c.2080A>G (NM_153240.4); short protein forms K694E.
Identifiers: ClinVar variation 499325 (VCV000499325.13), dbSNP rs374742856, ClinGen allele CA2622132.

ClinVar aggregate classification (germline): Uncertain significance. Review status: criteria provided, multiple submitters, no conflicts (2 of 4 stars). 6 submissions from 6 submitters: Uncertain significance (5). 1 of the submissions does not count toward it. Last evaluated 2025-09-01.

Conditions:
Inborn genetic diseases. Identifiers: MedGen C0950123, MeSH D030342.
Nephronophthisis. Also called: Juvenile Nephronophthisis. Identifiers: Orphanet 655, MedGen C0687120, MONDO:0019005, HP:0000090.
Retinal dystrophy. Also called: Inherited retinal dystrophy. Identifiers: Orphanet 71862, MedGen C0854723, MeSH D058499, MONDO:0019118, HP:0000556.
Renal-hepatic-pancreatic dysplasia 1 (RHPD1). Identifiers: MedGen C3715199, MONDO:0008833, OMIM 208540.
Nephronophthisis 3 (NPHP3). Also called: Adolescent nephronophthisis. Identifiers: Orphanet 655, MedGen C1858392, MONDO:0011456, OMIM 604387.
NPHP3-related Meckel-like syndrome. Also called: GOLDSTON SYNDROME; Meckel syndrome type 7. Identifiers: Orphanet 3032, MedGen C2673885, MONDO:0009966, OMIM 267010.

Allele frequency attached by ClinVar (database versions not stated): gnomAD 0.00002 and 0.00003; TOPMed 0.00003; gnomAD exomes 0.00004 and 0.00008; ESP Exome Variant Server 0.00008; ExAC 0.00009.
gnomAD v4.1: 63 of 1,599,424 alleles (0.0039%); highest among the groups gnomAD compares: Non-Finnish European, 0.005%; no homozygotes.

Submissions (6):

Ambry Genetics
Classification: Uncertain significance for Inborn genetic diseases. Last evaluated: 2025-09-01. Review status: criteria provided, single submitter. Criteria: Ambry Variant Classification Scheme 2023. Collection method: clinical testing. Allele origin: germline.

Blueprint Genetics
Classification: Uncertain significance. Last evaluated: 2024-07-16. Review status: criteria provided, single submitter. Criteria: ACMG Guidelines, 2015. Collection method: clinical testing. Allele origin: germline.

Labcorp Genetics (formerly Invitae), Labcorp
Classification: Uncertain significance for Nephronophthisis. Last evaluated: 2023-11-27. Review status: criteria provided, single submitter. Criteria: Invitae Variant Classification Sherloc (09022015). Collection method: clinical testing. Allele origin: germline.
Comment: This sequence change replaces lysine, which is basic and polar, with glutamic acid, which is acidic and polar, at codon 694 of the NPHP3 protein (p.Lys694Glu). This variant is present in population databases (rs374742856, gnomAD 0.01%). This variant has not been reported in the literature in individuals affected with NPHP3-related conditions. ClinVar contains an entry for this variant (Variation ID: 499325). Advanced modeling of protein sequence and biophysical properties (such as structural, functional, and spatial information, amino acid conservation, physicochemical variation, residue mobility, and thermodynamic stability) performed at Invitae indicates that this missense variant is not expected to disrupt NPHP3 protein function with a negative predictive value of 80%. In summary, the available evidence is currently insufficient to determine the role of this variant in disease. Therefore, it has been classified as a Variant of Uncertain Significance.

Fulgent Genetics
Classification: Uncertain significance for Renal-hepatic-pancreatic dysplasia 1; NPHP3-related Meckel-like syndrome; Nephronophthisis 3. Last evaluated: 2022-01-08. Review status: criteria provided, single submitter. Criteria: ACMG Guidelines, 2015. Collection method: clinical testing. Allele origin: unknown.

Eurofins Ntd Llc (ga)
Classification: Uncertain significance. Last evaluated: 2016-12-19. Review status: criteria provided, single submitter. Criteria: EGL Classification Definitions 2015. Collection method: clinical testing. Allele origin: germline. Observed: 1 variant allele, 1 heterozygote.

Institute of Human Genetics, Univ. Regensburg, Univ. Regensburg
Classification: Uncertain significance for Retinal dystrophy. Last evaluated: 2023-01-01. Review status: no assertion criteria provided. Criteria: ACMG Guidelines, 2015. Collection method: clinical testing. Allele origin: germline. Affected: yes. Not counted in ClinVar's aggregate classification.